The following is an entry in ClinVar:

NM_005559.4(LAMA1):c.5302G>A (p.Val1768Met)

Gene: LAMA1 (laminin subunit alpha 1; minus strand). Cytogenetic location: 18p11.31.
Variant type: single nucleotide variant.
Coding change: c.5302G>A on transcript NM_005559.4 (MANE Select); coding-DNA position 5302, G replaced by A.
Protein change: p.Val1768Met; replaces valine 1768 with methionine.
Molecular consequence: missense variant.
Genome position (GRCh38, 1-based): chr18:6,986,214, C>T on the plus strand (G>A on the coding strand, the complement: LAMA1 is on the minus strand). VCF-style: chr18-6986214-C-T. GRCh37 (hg19) VCF-style: chr18-6986213-C-T.
Other names: p.Val1768Met; short protein forms V1768M.
Identifiers: ClinVar variation 746465 (VCV000746465.37), dbSNP rs73938527, ClinGen allele CA8881638.

ClinVar aggregate classification (germline): Conflicting classifications of pathogenicity. Review status: criteria provided, conflicting classifications (1 of 4 stars). 6 submissions from 6 submitters: Uncertain significance (1); Benign (2); Likely benign (3). Last evaluated 2025-12-24.

Conditions:
Inborn genetic diseases. Identifiers: MedGen C0950123, MeSH D030342.

Allele frequency attached by ClinVar (database versions not stated): gnomAD exomes 0.00029 and 0.00077; ExAC 0.00090; gnomAD 0.00280 and 0.00297; TOPMed 0.00309; 1000 Genomes Project 0.00379; ESP Exome Variant Server 0.00384; 1000 Genomes Project 30x 0.00422.
gnomAD v4.1: 875 of 1,614,216 alleles (0.054%); highest among the groups gnomAD compares: African/African-American, 1%; 6 homozygotes.

Submissions (6):

Labcorp Genetics (formerly Invitae), Labcorp
Classification: Benign. Last evaluated: 2025-12-24. Review status: criteria provided, single submitter. Criteria: Invitae Variant Classification Sherloc (09022015). Collection method: clinical testing. Allele origin: germline.

CeGaT Center for Human Genetics Tuebingen
Classification: Likely benign. Last evaluated: 2025-06-01. Review status: criteria provided, single submitter. Criteria: CeGaT Center For Human Genetics Tuebingen Variant Classification Criteria Version 2. Collection method: clinical testing. Allele origin: germline. Affected: yes. Observed: 2 variant alleles.
Comment: LAMA1: BP4, BS1

Mayo Clinic Laboratories, Mayo Clinic
Classification: Benign. Last evaluated: 2025-04-15. Review status: criteria provided, single submitter. Criteria: ACMG Guidelines, 2015. Collection method: clinical testing. Allele origin: germline. Observed: 1 variant allele.
Comment: BA1

Blueprint Genetics
Classification: Likely benign. Last evaluated: 2024-08-28. Review status: criteria provided, single submitter. Criteria: ACMG Guidelines, 2015. Collection method: clinical testing. Allele origin: germline.

GeneDx
Classification: Uncertain significance. Last evaluated: 2024-01-05. Review status: criteria provided, single submitter. Criteria: GeneDx Variant Classification Process June 2021. Collection method: clinical testing. Allele origin: germline. Affected: yes.
Comment: Observed with another LAMA1 variant in an adult with spasticity and ataxia, but it is not known whether the variants occurred on the same (in cis) or on different (in trans) chromosomes (PMID: 31692161); In silico analysis supports that this missense variant does not alter protein structure/function; This variant is associated with the following publications: (PMID: 31692161)

Ambry Genetics
Classification: Likely benign for Inborn genetic diseases. Last evaluated: 2021-10-01. Review status: criteria provided, single submitter. Criteria: Ambry Variant Classification Scheme 2023. Collection method: clinical testing. Allele origin: germline.

Literature cited by the submitters: PubMed 31692161 (cited by Mayo Clinic Laboratories, Mayo Clinic).